The following is an entry in ClinVar:

ClinVar aggregate classification (germline): Likely pathogenic (1 of 4 stars; one submission).

Conditions:
Vici syndrome (VICIS). Identifiers: Orphanet 1493, MedGen C1855772, MONDO:0009452, OMIM 242840.

Submission:

Labcorp Genetics (formerly Invitae), Labcorp
Classification: Likely pathogenic for Vici syndrome. Last evaluated: 2023-04-10. Review status: criteria provided, single submitter. Criteria: Invitae Variant Classification Sherloc (09022015). Collection method: clinical testing. Allele origin: germline.
Comment: In summary, the currently available evidence indicates that the variant is pathogenic, but additional data are needed to prove that conclusively. Therefore, this variant has been classified as Likely Pathogenic. Algorithms developed to predict the effect of sequence changes on RNA splicing suggest that this variant may disrupt the consensus splice site. This variant has not been reported in the literature in individuals affected with EPG5-related conditions. This variant is not present in population databases (gnomAD no frequency). This sequence change affects an acceptor splice site in intron 15 of the EPG5 gene. It is expected to disrupt RNA splicing. Variants that disrupt the donor or acceptor splice site typically lead to a loss of protein function (PMID: 16199547), and loss-of-function variants in EPG5 are known to be pathogenic (PMID: 23222957, 23674064).

Literature cited by the submitters: PubMed 16199547; PubMed 23222957; PubMed 23674064.

NM_020964.3(EPG5):c.2839-1G>T

Gene: EPG5 (ectopic P-granules 5 autophagy tethering factor; minus strand). Cytogenetic location: 18q21.1.
Variant type: single nucleotide variant.
Coding change: c.2839-1G>T on transcript NM_020964.3 (MANE Select); the canonical splice acceptor site of the intron before coding-DNA position 2839, G replaced by T.
Molecular consequence: splice acceptor variant.
Genome position (GRCh38, 1-based): chr18:45,922,601, C>A on the plus strand (G>T on the coding strand, the complement: EPG5 is on the minus strand). VCF-style: chr18-45922601-C-A. GRCh37 (hg19) VCF-style: chr18-43502567-C-A.
Other names: c.2839-1G>T (NM_001410858.1, NM_001410859.1).
Identifiers: ClinVar variation 2854560 (VCV002854560.3), dbSNP rs2511863413, ClinGen allele CA402344539.